The following is an entry in ClinVar:

ClinVar aggregate classification (germline): Uncertain significance. Review status: criteria provided, multiple submitters, no conflicts (2 of 4 stars). 2 submissions from 2 submitters: Uncertain significance (2). Last evaluated 2022-07-21.

Conditions:
Brugada syndrome. Also called: Sudden unexpected nocturnal death syndrome; Sudden Unexplained Death Syndrome; Sudden Unexplained Nocturnal Death Syndrome (SUNDS); Sudden unexplained nocturnal death syndrome. Identifiers: Orphanet 130, MedGen C1142166, MONDO:0015263.
Cardiovascular phenotype. Identifiers: MedGen CN230736.

Allele frequency attached by ClinVar (database versions not stated): gnomAD exomes below 0.00001.
gnomAD v4.1: 2 of 1,613,810 alleles (0.00012%); highest among the groups gnomAD compares: Non-Finnish European, 0.00017%; no homozygotes.

Submissions (2):

Labcorp Genetics (formerly Invitae), Labcorp
Classification: Uncertain significance for Brugada syndrome. Last evaluated: 2022-07-21. Review status: criteria provided, single submitter. Criteria: Invitae Variant Classification Sherloc (09022015). Collection method: clinical testing. Allele origin: germline.
Comment: In summary, the available evidence is currently insufficient to determine the role of this variant in disease. Therefore, it has been classified as a Variant of Uncertain Significance. Algorithms developed to predict the effect of sequence changes on RNA splicing suggest that this variant may disrupt the consensus splice site. This sequence change replaces alanine, which is neutral and non-polar, with valine, which is neutral and non-polar, at codon 1375 of the SCN10A protein (p.Ala1375Val). This variant is not present in population databases (gnomAD no frequency). This variant has not been reported in the literature in individuals affected with SCN10A-related conditions. Advanced modeling of protein sequence and biophysical properties (such as structural, functional, and spatial information, amino acid conservation, physicochemical variation, residue mobility, and thermodynamic stability) performed at Invitae indicates that this missense variant is expected to disrupt SCN10A protein function.

Ambry Genetics
Classification: Uncertain significance for Cardiovascular phenotype. Last evaluated: 2020-06-26. Review status: criteria provided, single submitter. Criteria: Ambry Variant Classification Scheme 2023. Collection method: clinical testing. Allele origin: germline.
Comment: The p.A1375V variant (also known as c.4124C>T), located in coding exon 23 of the SCN10A gene, results from a C to T substitution at nucleotide position 4124. The alanine at codon 1375 is replaced by valine, an amino acid with similar properties. This amino acid position is highly conserved in available vertebrate species. In addition, this alteration is predicted to be deleterious by in silico analysis. Since supporting evidence is limited at this time, the clinical significance of this alteration remains unclear.

NM_006514.4(SCN10A):c.4124C>T (p.Ala1375Val)

Gene: SCN10A (sodium voltage-gated channel alpha subunit 10; minus strand). Cytogenetic location: 3p22.2.
Variant type: single nucleotide variant.
Coding change: c.4124C>T on transcript NM_006514.4 (MANE Select); coding-DNA position 4124, C replaced by T.
Protein change: p.Ala1375Val; replaces alanine 1375 with valine.
Molecular consequence: missense variant.
Genome position (GRCh38, 1-based): chr3:38,710,863, G>A on the plus strand (C>T on the coding strand, the complement: SCN10A is on the minus strand). VCF-style: chr3-38710863-G-A. GRCh37 (hg19) VCF-style: chr3-38752354-G-A.
Other names: c.4121C>T, p.Ala1374Val (NM_001293306.2); c.3830C>T, p.Ala1277Val (NM_001293307.2); short protein forms A1277V, A1374V, A1375V.
Identifiers: ClinVar variation 1738038 (VCV001738038.7), dbSNP rs2470596817, ClinGen allele CA352150177.
Genomic context (GRCh38, chr3:38,710,863, plus strand): 5'-CACAGAGGGGAAGGCTGTAGGGACAGTGGGCTGAGACTCACCTCCCGGGAATCAACAGCT[G>A]CATACATAATGTCCATCCAGCCTTTAAAGGTTGCCTGGAGACAAGGAGCAGAGGCCACTC-3'
Protein context (NP_006505.4, residues 1365-1385): TFKGWMDIMY[Ala1375Val]AVDSREVNMQ